The following is an entry in ClinVar:

ClinVar aggregate classification (germline): Pathogenic/Likely pathogenic. Review status: criteria provided, multiple submitters, no conflicts (2 of 4 stars). 16 submissions from 16 submitters: Pathogenic (8); Likely pathogenic (8). Last evaluated 2025-12-31.

Conditions:
Miyoshi muscular dystrophy 3 (MMD3). Also called: Miyoshi myopathy 3; Miyoshi Muscular Dystrophy 3 (MMD3). Identifiers: Orphanet 399096, MedGen C2750076, MONDO:0013222, OMIM 613319.
Gnathodiaphyseal dysplasia (GDD). Also called: OSTEOGENESIS IMPERFECTA WITH UNUSUAL SKELETAL LESIONS; GNATHODIAPHYSEAL SCLEROSIS. Identifiers: Orphanet 53697, MedGen C1833736, MONDO:0008151, OMIM 166260.
Autosomal recessive limb-girdle muscular dystrophy type 2L (LGMDR12). Also called: Limb-girdle muscular dystrophy, type 2L; MUSCULAR DYSTROPHY, LIMB-GIRDLE, AUTOSOMAL RECESSIVE 12; Limb-Girdle Muscular Dystrophy R12 Anoctamin-5-Related (LGMD-R12). Identifiers: Orphanet 206549, MedGen C1969785, MONDO:0012652, OMIM 611307.
ANO5-related disorder. Also called: ANO5-related condition; ANO5-related disorders. Identifiers: MedGen CN239193.
Autosomal recessive ANO5-related disorders.
Autosomal recessive limb-girdle muscular dystrophy. Identifiers: Orphanet 102015, MedGen C2931907, MONDO:0015152.

Allele frequency attached by ClinVar (database versions not stated): ESP Exome Variant Server 0.00008; TOPMed 0.00011; gnomAD 0.00013 and 0.00014.
gnomAD v4.1: 163 of 1,610,652 alleles (0.01%); highest among the groups gnomAD compares: Non-Finnish European, 0.0087%; no homozygotes.

Submissions (16):

Labcorp Genetics (formerly Invitae), Labcorp
Classification: Pathogenic for Autosomal recessive limb-girdle muscular dystrophy type 2L; Gnathodiaphyseal dysplasia. Last evaluated: 2025-12-31. Review status: criteria provided, single submitter. Criteria: Invitae Variant Classification Sherloc (09022015). Collection method: clinical testing. Allele origin: germline.
Comment: This sequence change replaces methionine, which is neutral and non-polar, with lysine, which is basic and polar, at codon 833 of the ANO5 protein (p.Met833Lys). This variant is present in population databases (rs142073798, gnomAD 0.1%). This missense change has been observed in individual(s) with autosomal recessive limb-girdle or distal muscular dystrophy (PMID: 23607914, 23663589, 25891276). In at least one individual the data is consistent with being in trans (on the opposite chromosome) from a pathogenic variant. ClinVar contains an entry for this variant (Variation ID: 285338). Invitae Evidence Modeling of protein sequence and biophysical properties (such as structural, functional, and spatial information, amino acid conservation, physicochemical variation, residue mobility, and thermodynamic stability) indicates that this missense variant is expected to disrupt ANO5 protein function with a positive predictive value of 95%. This variant disrupts the p.Met833 amino acid residue in ANO5. Other variant(s) that disrupt this residue have been observed in individuals with ANO5-related conditions (PMID: 31350120), which suggests that this may be a clinically significant amino acid residue. For these reasons, this variant has been classified as Pathogenic.

Variantyx, Inc.
Classification: Likely pathogenic for Autosomal recessive ANO5-related disorders. Last evaluated: 2025-10-16. Review status: criteria provided, single submitter. Criteria: Variantyx Assertion Criteria 2022. Collection method: clinical testing. Allele origin: germline. Inheritance: Autosomal recessive inheritance. Affected: no.
Comment: This is a nonsynonymous variant in the ANO5 gene (OMIM: 608662). Pathogenic variants in this gene have been associated with autosomal recessive ANO5-related disorders. This variant has been identified in the homozygous or compound heterozygous state in at least 3 individuals reported in the published literature (PMID: 23607914, 23663589, 25891276) (PM3_Strong). Multiple computational algorithms predict a deleterious effect for this variant (REVEL score: 0.708) (PP3). This variant has a 0.0087% maximum allele frequency in non-founder control populations (PM2). Based on the current evidence, this variant is classified as likely pathogenic for autosomal recessive ANO5-related disorders.

Clinical Genetics Laboratory, University Hospital Schleswig-Holstein
Classification: Likely pathogenic for Autosomal recessive limb-girdle muscular dystrophy type 2L. Last evaluated: 2025-10-02. Review status: criteria provided, single submitter. Criteria: ACMG Guidelines, 2015. Collection method: clinical testing. Allele origin: germline. Affected: yes. Observed: 1 heterozygote.
Comment: ACMG criteria applied: PM2, PM3_Strong, PP3

First Genomix Gene Laboratory, Genetic Diagnostics Department
Classification: Pathogenic for Autosomal recessive limb-girdle muscular dystrophy type 2L; Miyoshi muscular dystrophy 3. Last evaluated: 2025-06-19. Review status: criteria provided, single submitter. Criteria: ACMG Guidelines, 2015. Collection method: clinical testing. Allele origin: germline. Inheritance: Autosomal recessive inheritance. Affected: no. Observed: 1 variant allele.

PreventionGenetics, part of Exact Sciences
Classification: Likely pathogenic for ANO5-related condition. Last evaluated: 2025-04-01. Review status: criteria provided, single submitter. Criteria: ACMG Guidelines, 2015. Collection method: clinical testing. Allele origin: germline.
Comment: The ANO5 c.2498T>A variant is predicted to result in the amino acid substitution p.Met833Lys. This variant has been reported, in the homozygous state or in combination with another ANO5 variant, in several patients with clinical symptoms consistent with limb-girdle muscular dystrophy (LGMD, Liewluck et al. 2013. PubMed ID: 23663589; Tasca et al. 2014. PubMed ID: 25149668; Silva et al. 2019. PubMed ID: 31353849; Savarese et al. 2015. PubMed ID: 25891276) and has been noted to segregate with the disorder in one family (van der Kooi et al. 2013. PubMed ID: 23607914). This variant is reported in 0.11% of alleles in individuals of Ashkenazi Jewish descent in gnomAD. An alternate missense change at the same amino acid position (p.Met833Arg) has been reported in the homozygous state in an individual affected with LGMD (Cai et al. 2019. PubMed ID: 31350120). The c.2498T>A has consistently been classified as likely pathogenic or pathogenic in ClinVar. This variant is interpreted as likely pathogenic.

GeneDx
Classification: Pathogenic. Last evaluated: 2025-03-26. Review status: criteria provided, single submitter. Criteria: GeneDx Variant Classification Process June 2021. Collection method: clinical testing. Allele origin: germline. Affected: yes.
Comment: In silico analysis supports that this missense variant has a deleterious effect on protein structure/function; This variant is associated with the following publications: (PMID: 31561939, 23663589, 25891276, 23607914, 30919934, 32528171, 29431110, 34426522, 34008892)

Revvity Omics, Revvity
Classification: Likely pathogenic. Last evaluated: 2024-12-05. Review status: criteria provided, single submitter. Criteria: ACMG Guidelines, 2015. Collection method: clinical testing. Allele origin: germline.

Blueprint Genetics
Classification: Pathogenic for ANO5-related disorders. Last evaluated: 2024-10-02. Review status: criteria provided, single submitter. Criteria: ACMG Guidelines, 2015. Collection method: clinical testing. Allele origin: germline. Affected: yes. Observed: 5 variant alleles.

Athena Diagnostics
Classification: Pathogenic. Last evaluated: 2023-11-27. Review status: criteria provided, single submitter. Criteria: Athena Diagnostics Criteria. Collection method: clinical testing. Allele origin: unknown.
Comment: The frequency of this variant in the general population is consistent with pathogenicity. This variant has been identified in multiple unrelated individuals with autosomal recessive limb-girdle muscular dystrophy. Computational tools predict that this variant is damaging.

3billion
Classification: Likely pathogenic for Autosomal recessive limb-girdle muscular dystrophy type 2L. Last evaluated: 2023-08-21. Review status: criteria provided, single submitter. Criteria: ACMG Guidelines, 2015. Collection method: clinical testing. Allele origin: germline. Affected: yes.
Comment: The variant is observed at an extremely low frequency in the gnomAD v2.1.1 dataset (total allele frequency: 0.013%). Predicted Consequence/Location: Protein truncation variants are a common disease-causing mechanism. In silico tool predictions suggest damaging effect of the variant on gene or gene product [REVEL: 0.71 (>=0.6, sensitivity 0.68 and specificity 0.92); 3Cnet: 0.65 (>=0.6, sensitivity 0.72 and precision 0.9)]. Same nucleotide change resulting in same amino acid change has been previously reported as pathogenic/likely pathogenic with strong evidence (ClinVar ID: VCV000285338 /PMID: 23663589). The variant has been reported to be in trans with a pathogenic variant as either compound heterozygous or homozygous in at least one similarly affected unrelated individual (PMID: 25891276). A different missense change at the same codon (p.Met833Arg) has been reported to be associated with ANO5 related disorder (PMID: 31350120). Therefore, this variant is classified as Likely pathogenic according to the recommendation of ACMG/AMP guideline.

Fulgent Genetics
Classification: Likely pathogenic for Gnathodiaphyseal dysplasia; Autosomal recessive limb-girdle muscular dystrophy type 2L; Miyoshi muscular dystrophy 3. Last evaluated: 2022-02-27. Review status: criteria provided, single submitter. Criteria: ACMG Guidelines, 2015. Collection method: clinical testing. Allele origin: unknown.

Laboratory of Medical Genetics, National & Kapodistrian University of Athens
Classification: Likely pathogenic for Autosomal recessive limb-girdle muscular dystrophy type 2L. Last evaluated: 2021-10-01. Review status: criteria provided, single submitter. Criteria: ACMG Guidelines, 2015. Collection method: clinical testing. Allele origin: unknown. Affected: yes.
Comment: PM3, PP2, PP3, PP5, BS2

Department of Pathology and Laboratory Medicine, Sinai Health System
Classification: Pathogenic for autosomal recessive limb-girdle muscular dystrophy. Last evaluated: 2021-07-30. Review status: criteria provided, single submitter. Criteria: ACMG Guidelines, 2015. Collection method: research. Allele origin: germline.

Institute of Medical Genetics and Applied Genomics, University Hospital Tübingen
Classification: Pathogenic. Last evaluated: 2020-10-23. Review status: criteria provided, single submitter. Criteria: ACMG Guidelines, 2015. Collection method: clinical testing. Allele origin: germline. Inheritance: Autosomal unknown. Affected: yes.

Illumina Laboratory Services, Illumina
Classification: Likely pathogenic for ANO5-Related Disorders. Last evaluated: 2018-08-16. Review status: criteria provided, single submitter. Criteria: ICSL Variant Classification Criteria 09 May 2019. Collection method: clinical testing. Allele origin: germline.
Comment: The ANO5 c.2498T>A (p.Met833Lys) missense variant has been reported in three studies in which it is found in three unrelated individuals affected with muscular dystrophy who had high levels of creatine kinase, including one who carried the variant in a homozygous state and two who carried the variant in a compound heterozygous state with known or suspected null variants in trans (van der Kooi et al. 2013; Liewluck et al. 2013; Savarese et al. 2015). The p.Met833Lys variant was absent from 52 control individuals (Savarese et al. 2015) and present in a heterozygous state in three unaffected first-degree relatives of probands (van der Kooi et al. 2013; Liewluck et al. 2013). The p.Met833Lys variant is reported at a frequency of 0.001085 in the Ashkenazi Jewish population of the Genome Aggregation Database. Based on the combined clinical evidence, the p.Met833Lys variant is classified as likely pathogenic for ANO5-Related Disorders. This variant was observed by ICSL as part of a predisposition screen in an ostensibly healthy population.

Eurofins Ntd Llc (ga)
Classification: Pathogenic. Last evaluated: 2017-02-27. Review status: criteria provided, single submitter. Criteria: EGL Classification Definitions 2015. Collection method: clinical testing. Allele origin: germline. Observed: 5 variant alleles, 3 heterozygotes, 2 homozygotes.

Literature cited by the submitters: PubMed 23607914 (cited by 4 submitters); PubMed 23663589 (cited by 5 submitters); PubMed 25891276 (cited by 5 submitters); PubMed 31350120 (cited by Labcorp Genetics (formerly Invitae), Labcorp and 3billion); PubMed 31353849 (cited by Athena Diagnostics); PubMed 34008892 (cited by Athena Diagnostics and Laboratory of Medical Genetics, National & Kapodistrian University of Athens); PubMed 31561939 (cited by Athena Diagnostics); PubMed 29431110 (cited by Athena Diagnostics); PubMed 30919934 (cited by Athena Diagnostics); PubMed 32528171 (cited by Athena Diagnostics).

NM_213599.3(ANO5):c.2498T>A (p.Met833Lys)

Gene: ANO5 (anoctamin 5; plus strand). Cytogenetic location: 11p14.3.
Variant type: single nucleotide variant.
Coding change: c.2498T>A on transcript NM_213599.3 (MANE Select); coding-DNA position 2498, T replaced by A.
Protein change: p.Met833Lys; replaces methionine 833 with lysine.
Molecular consequence: missense variant.
Genome position (GRCh38, 1-based): chr11:22,276,177, T>A. VCF-style: chr11-22276177-T-A. GRCh37 (hg19) VCF-style: chr11-22297723-T-A.
Other names: c.2495T>A, p.Met832Lys (NM_001142649.2); short protein forms M833K, M832K.
Identifiers: ClinVar variation 285338 (VCV000285338.33), dbSNP rs142073798, ClinGen allele CA5923597.